The following is an entry in ClinVar:

NM_003924.4(PHOX2B):c.668C>A (p.Ala223Asp)

Gene: PHOX2B (paired like homeobox 2B; minus strand). Cytogenetic location: 4p13.
Variant type: single nucleotide variant.
Coding change: c.668C>A on transcript NM_003924.4 (MANE Select); coding-DNA position 668, C replaced by A.
Protein change: p.Ala223Asp; replaces alanine 223 with aspartic acid.
Molecular consequence: missense variant.
Genome position (GRCh38, 1-based): chr4:41,746,084, G>T on the plus strand (C>A on the coding strand, the complement: PHOX2B is on the minus strand). VCF-style: chr4-41746084-G-T. GRCh37 (hg19) VCF-style: chr4-41748101-G-T.
Other names: short protein forms A223D.
Identifiers: ClinVar variation 3931859 (VCV003931859.1).
Genomic context (GRCh38, chr4:41,746,084, plus strand): 5'-GCTGCTGCGCCGCCCTTGCCGGGTTCGCCTCCCGGGCCCCCGGGCCCCGCCGCCCCCGGA[G>T]CTCCAGCCGGGCTGGGCCCGCCGCCGCCGCCTCCATTCGCCCCGCAGCTGGGGGTGGGGT-3'
Protein context (NP_003915.2, residues 213-233): GGGGGPSPAG[Ala223Asp]PGAAGPGGPG

ClinVar aggregate classification (germline): Uncertain significance (1 of 4 stars; one submission).

Conditions:
Hereditary cancer-predisposing syndrome. Also called: Tumor predisposition; Hereditary neoplastic syndrome; Hereditary Cancer Syndrome; Neoplastic Syndromes, Hereditary. Identifiers: Orphanet 140162, MedGen C0027672, MeSH D009386, MONDO:0015356.

Submission:

Ambry Genetics
Classification: Uncertain significance for Hereditary cancer-predisposing syndrome. Last evaluated: 2025-06-05. Review status: criteria provided, single submitter. Criteria: Ambry Variant Classification Scheme 2023. Collection method: clinical testing. Allele origin: germline.
Comment: The p.A223D variant (also known as c.668C>A), located in coding exon 3 of the PHOX2B gene, results from a C to A substitution at nucleotide position 668. The alanine at codon 223 is replaced by aspartic acid, an amino acid with dissimilar properties. This amino acid position is conserved. In addition, the in silico prediction for this alteration is inconclusive. Based on the available evidence, the clinical significance of this variant remains unclear.